The following is an entry in ClinVar:

ClinVar aggregate classification (germline): Likely pathogenic (1 of 4 stars; one submission).

Conditions:
Epilepsy, X-linked 1, with variable learning disabilities and behavior disorders. Also called: X-linked epilepsy-learning disabilities-behavior disorders syndrome. Identifiers: Orphanet 85294, MedGen C5774177, MONDO:0010339, OMIM 300491.

Submission:

Labcorp Genetics (formerly Invitae), Labcorp
Classification: Likely pathogenic for Epilepsy, X-linked 1, with variable learning disabilities and behavior disorders. Last evaluated: 2021-03-12. Review status: criteria provided, single submitter. Criteria: Invitae Variant Classification Sherloc (09022015). Collection method: clinical testing. Allele origin: germline.
Comment: This variant is not present in population databases (ExAC no frequency). In summary, the currently available evidence indicates that the variant is pathogenic, but additional data are needed to prove that conclusively. Therefore, this variant has been classified as Likely Pathogenic. Donor and acceptor splice site variants typically lead to a loss of protein function (PMID: 16199547), and loss-of-function variants in SYN1 are known to be pathogenic (PMID: 14985377, 21441247). This variant has not been reported in the literature in individuals with SYN1-related conditions. This sequence change affects an acceptor splice site in intron 1 of the SYN1 gene. It is expected to disrupt RNA splicing and likely results in an absent or disrupted protein product.

Literature cited by the submitters: PubMed 16199547; PubMed 14985377; PubMed 21441247.

NM_006950.3(SYN1):c.378-1G>A

Gene: SYN1 (synapsin I; minus strand). Cytogenetic location: Xp11.23.
Variant type: single nucleotide variant.
Coding change: c.378-1G>A on transcript NM_006950.3 (MANE Select); the canonical splice acceptor site of the intron before coding-DNA position 378, G replaced by A.
Molecular consequence: splice acceptor variant.
Genome position (GRCh38, 1-based): chrX:47,607,199, C>T on the plus strand (G>A on the coding strand, the complement: SYN1 is on the minus strand). VCF-style: chrX-47607199-C-T. GRCh37 (hg19) VCF-style: chrX-47466598-C-T.
Other names: c.378-1G>A (NM_133499.2).
Identifiers: ClinVar variation 936182 (VCV000936182.8), dbSNP rs2057900552, ClinGen allele CA412827924.